The following is an entry in ClinVar:

NM_018385.3(LSG1):c.775G>A (p.Asp259Asn)

Gene: LSG1 (large 60S subunit nuclear export GTPase 1; minus strand). Cytogenetic location: 3q29.
Variant type: single nucleotide variant.
Coding change: c.775G>A on transcript NM_018385.3 (MANE Select); coding-DNA position 775, G replaced by A.
Protein change: p.Asp259Asn; replaces aspartic acid 259 with asparagine.
Molecular consequence: missense variant.
Genome position (GRCh38, 1-based): chr3:194,653,127, C>T on the plus strand (G>A on the coding strand, the complement: LSG1 is on the minus strand). VCF-style: chr3-194653127-C-T. GRCh37 (hg19) VCF-style: chr3-194373856-C-T.
Other names: short protein forms D259N.
Identifiers: ClinVar variation 5023697 (VCV005023697.1).
Genomic context (GRCh38, chr3:194,653,127, plus strand): 5'-AAATTTCAGCCTGGTCGAAACTGGAATGTCCAAACTTGGTTGTGTTGCTTTGTCTATCAT[C>T]TCTGTTTGCCTCTTCCTGACAAAATAATAGAAACGCTCAGAAGTATATAACTGCAGTTTC-3'
Protein context (NP_060855.2, residues 249-269): NGDSEEEANR[Asp259Asn]DRQSNTTKFG

ClinVar aggregate classification (germline): Uncertain significance (1 of 4 stars; one submission).

gnomAD v4.1: 1 of 1,613,230 alleles (0.000062%); highest among the groups gnomAD compares: African/African-American, 0.0013%; no homozygotes.

Submission:

Ambry Genetics
Classification: Uncertain significance. Last evaluated: 2026-08-12. Review status: criteria provided, single submitter. Criteria: Ambry Variant Classification Scheme 2023. Collection method: clinical testing. Allele origin: germline.
Comment: The c.775G>A (p.D259N) alteration is located in exon 8 (coding exon 8) of the LSG1 gene. This alteration results from a G to A substitution at nucleotide position 775, causing the aspartic acid (D) at amino acid position 259 to be replaced by an asparagine (N). Based on data from gnomAD, the A allele has an overall frequency of <0.001% (1/250774) total alleles studied. The highest observed frequency was 0.006% (1/16254) of African alleles. Based on insufficient or conflicting evidence, the clinical significance of this alteration remains unclear.